The following is an entry in ClinVar:

ClinVar aggregate classification (germline): Uncertain significance (1 of 4 stars; one submission).

Submission:

Dasa
Classification: Uncertain significance. Last evaluated: 2026-08-08. Review status: criteria provided, single submitter. Criteria: DASA Assertion Criteria. Collection method: clinical testing. Allele origin: germline.
Comment: NM_014423.4(AFF4):c.3394G>T (p.Gly1132Cys) is a missense variant that results in the substitution of glycine with cysteine. This variant is rare in population databases. The currently available literature and clinical evidence are not sufficient to establish a definitive association between this variant and the reported condition. Therefore, this variant is classified as a variant of uncertain significance.

NM_014423.4(AFF4):c.3394G>T (p.Gly1132Cys)

Gene: AFF4 (ALF transcription elongation factor 4; minus strand). Cytogenetic location: 5q31.1.
Variant type: single nucleotide variant.
Coding change: c.3394G>T on transcript NM_014423.4 (MANE Select); coding-DNA position 3394, G replaced by T.
Protein change: p.Gly1132Cys; replaces glycine 1132 with cysteine.
Molecular consequence: missense variant.
Genome position (GRCh38, 1-based): chr5:132,881,157, C>A on the plus strand (G>T on the coding strand, the complement: AFF4 is on the minus strand). VCF-style: chr5-132881157-C-A. GRCh37 (hg19) VCF-style: chr5-132216849-C-A.
Other names: short protein forms G1132C.
Identifiers: ClinVar variation 5020467 (VCV005020467.1).
Genomic context (GRCh38, chr5:132,881,157, plus strand): 5'-GTCCCTGCCGGGTATAACGAACTAGATCTGTCATGATGCTTGCATTAAAGATGAGAGGGC[C>A]CATTACTTTATCCAGTTCAGCAAAGAATTCTAGAAAACCAAAAACATTCATTAAATGATA-3'
Protein context (NP_055238.1, residues 1122-1142): EFFAELDKVM[Gly1132Cys]PLIFNASIMT